The following is an entry in ClinVar:

NM_000540.3(RYR1):c.3436G>A (p.Asp1146Asn)

Gene: RYR1 (ryanodine receptor 1; plus strand). Cytogenetic location: 19q13.2.
Variant type: single nucleotide variant.
Coding change: c.3436G>A on transcript NM_000540.3 (MANE Select); coding-DNA position 3436, G replaced by A.
Protein change: p.Asp1146Asn; replaces aspartic acid 1146 with asparagine.
Molecular consequence: missense variant.
Genome position (GRCh38, 1-based): chr19:38,469,020, G>A. VCF-style: chr19-38469020-G-A. GRCh37 (hg19) VCF-style: chr19-38959660-G-A.
Other names: c.3436G>A, p.Asp1146Asn (NM_001042723.2); short protein forms D1146N.
Identifiers: ClinVar variation 590514 (VCV000590514.4), dbSNP rs765011921, ClinGen allele CA064842.
Genomic context (GRCh38, chr19:38,469,020, plus strand): 5'-TCACAGGGCCAGCGCTGGCACTTGGGCAGTGAACCATTTGGGCGCCCCTGGCAGCCGGGC[G>A]ATGTCGTTGGCTGTATGATCGACCTCACAGAGAACACCATTATCTTCACCCTCAATGGCG-3'
Protein context (NP_000531.2, residues 1136-1156): EPFGRPWQPG[Asp1146Asn]VVGCMIDLTE

ClinVar aggregate classification (germline): Uncertain significance. Review status: criteria provided, multiple submitters, no conflicts (2 of 4 stars). 3 submissions from 3 submitters: Uncertain significance (3). Last evaluated 2026-01-22.

Conditions:
RYR1-related disorder. Also called: RYR1-related disorders; RYR1-related condition. Identifiers: MedGen CN239331.
Malignant hyperthermia, susceptibility to, 1 (MHS1). Also called: Anesthesia related hyperthermia; Malignant hyperpyrexia; Fulminating hyperpyrexia; Pharmacogenic myopathy; RYR1-Related Malignant Hyperthermia Susceptibility; Malignant hyperthermia suceptibility 1. Identifiers: Orphanet 423, MedGen C2930980, MONDO:0007783, OMIM 145600.

Allele frequency attached by ClinVar (database versions not stated): ExAC 0.00001; gnomAD exomes 0.00001.
gnomAD v4.1: 4 of 1,614,128 alleles (0.00025%); highest among the groups gnomAD compares: East Asian, 0.0045%; no homozygotes.

Submissions (3):

Labcorp Genetics (formerly Invitae), Labcorp
Classification: Uncertain significance for RYR1-related disorder. Last evaluated: 2026-01-22. Review status: criteria provided, single submitter. Criteria: Invitae Variant Classification Sherloc (09022015). Collection method: clinical testing. Allele origin: germline.
Comment: This sequence change replaces aspartic acid, which is acidic and polar, with asparagine, which is neutral and polar, at codon 1146 of the RYR1 protein (p.Asp1146Asn). This variant is present in population databases (rs765011921, gnomAD 0.006%). This missense change has been observed in individual(s) with clinical features of RYR1‑related myopathy (PMID: 32236737). ClinVar contains an entry for this variant (Variation ID: 590514). Invitae Evidence Modeling of protein sequence and biophysical properties (such as structural, functional, and spatial information, amino acid conservation, physicochemical variation, residue mobility, and thermodynamic stability) indicates that this missense variant is expected to disrupt RYR1 protein function with a positive predictive value of 95%. In summary, the available evidence is currently insufficient to determine the role of this variant in disease. Therefore, it has been classified as a Variant of Uncertain Significance.

All of Us Research Program, National Institutes of Health
Classification: Uncertain significance for Malignant hyperthermia, susceptibility to, 1. Last evaluated: 2023-06-26. Review status: criteria provided, single submitter. Criteria: ACMG Guidelines, 2015. Collection method: clinical testing. Allele origin: germline. Inheritance: Autosomal dominant inheritance. Observed: 2 variant alleles, 2 heterozygotes.
Comment: This missense variant replaces aspartic acid with asparagine at codon 1146 of the RYR1 protein. Computational prediction is inconclusive regarding the impact of this variant on protein structure and function (internally defined REVEL score threshold 0.5 < inconclusive < 0.7, PMID: 27666373). To our knowledge, functional studies have not been reported for this variant. This variant has not been reported in individuals affected with RYR1-related disorders in the literature. This variant has been identified in 3/251478 chromosomes in the general population by the Genome Aggregation Database (gnomAD). The available evidence is insufficient to determine the role of this variant in disease conclusively. Therefore, this variant is classified as a Variant of Uncertain Significance.

This study involves interpretation of variants in research participants for the purpose of population health screening. Participant phenotype was not available at the time of variant classification. Additional details can be found in publication PMID: 35346344, PMCID: PMC8962531

PreventionGenetics, part of Exact Sciences
Classification: Uncertain significance. Last evaluated: 2015-04-08. Review status: criteria provided, single submitter. Criteria: ACMG Guidelines, 2015. Collection method: clinical testing. Allele origin: germline.

Literature cited by the submitters: PubMed 32236737 (cited by Labcorp Genetics (formerly Invitae), Labcorp).